The following is an entry in ClinVar:

ClinVar aggregate classification (germline): Likely pathogenic (1 of 4 stars; one submission).

Conditions:
Intellectual developmental disorder with microcephaly and with or without ocular malformations or hypogonadotropic hypogonadism. Also called: Intellectual disability, autosomal dominant 27; Coffin-Siris Syndrome 9. Identifiers: Orphanet 1465, MedGen C4014528, MONDO:0014376, OMIM 615866.

Submission:

Daryl Scott Lab, Baylor College of Medicine
Classification: Likely pathogenic for Intellectual developmental disorder with microcephaly and with or without ocular malformations or hypogonadotropic hypogonadism. Last evaluated: 2025-08-25. Review status: criteria provided, single submitter. Criteria: ACMG Guidelines, 2015. Collection method: clinical testing. Allele origin: de novo. Affected: yes. Observed: 1 heterozygote.
Comment: PS2, PM2, PP3

NM_003108.4(SOX11):c.259T>A (p.Trp87Arg)

Gene: SOX11 (SRY-box transcription factor 11; plus strand). Cytogenetic location: 2p25.2.
Variant type: single nucleotide variant.
Coding change: c.259T>A on transcript NM_003108.4 (MANE Select); coding-DNA position 259, T replaced by A.
Protein change: p.Trp87Arg; replaces tryptophan 87 with arginine.
Molecular consequence: missense variant.
Genome position (GRCh38, 1-based): chr2:5,692,980, T>A. VCF-style: chr2-5692980-T-A. GRCh37 (hg19) VCF-style: chr2-5833112-T-A.
Other names: short protein forms W87R.
Identifiers: ClinVar variation 4279700 (VCV004279700.1).